The following is an entry in ClinVar:

NM_000350.3(ABCA4):c.2931G>A (p.Thr977=)

Gene: ABCA4 (ATP binding cassette subfamily A member 4; minus strand). Cytogenetic location: 1p22.1.
Variant type: single nucleotide variant.
Coding change: c.2931G>A on transcript NM_000350.3 (MANE Select); coding-DNA position 2931, G replaced by A.
Protein change: p.Thr977=; no amino-acid change (threonine 977 retained).
Molecular consequence: synonymous variant.
Genome position (GRCh38, 1-based): chr1:94,044,732, C>T on the plus strand (G>A on the coding strand, the complement: ABCA4 is on the minus strand). VCF-style: chr1-94044732-C-T. GRCh37 (hg19) VCF-style: chr1-94510288-C-T.
Other names: c.2931G>A (NM_000350.2); c.2709G>A, p.Thr903= (NM_001425324.1).
Identifiers: ClinVar variation 1034874 (VCV001034874.12), dbSNP rs146963098, ClinGen allele CA958089.
Genomic context (GRCh38, chr1:94,044,732, plus strand): 5'-GCTGGTTTCAATGTCCCTTCCCCCAACGAGCACAGTCCCAGAGGTTGGTGGCAACAGACC[C>T]GTCAGGATGGACCTGCAGAACACAGGCGTCAGTGGCAGAAGAGATGGCCTTTAGCAACAT-3'
Protein context (NP_000341.2, residues 967-987): AGKTTTLSIL[Thr977=]GLLPPTSGTV

ClinVar aggregate classification (germline): Likely benign. Review status: criteria provided, multiple submitters, no conflicts (2 of 4 stars). 2 submissions from 2 submitters: Likely benign (2). Last evaluated 2026-01-05.

Conditions:
ABCA4-related disorder. Also called: ABCA4-related disorders; ABCA4-related condition. Identifiers: MedGen CN239167.

Allele frequency attached by ClinVar (database versions not stated): ExAC 0.00007; gnomAD 0.00007; TOPMed 0.00010; ESP Exome Variant Server 0.00015; 1000 Genomes Project 0.00040; 1000 Genomes Project 30x 0.00047.
gnomAD v4.1: 73 of 1,614,184 alleles (0.0045%); highest among the groups gnomAD compares: African/African-American, 0.017%; no homozygotes.

Submissions (3):

PreventionGenetics, part of Exact Sciences
Classification: Likely benign for ABCA4-related condition. Last evaluated: 2026-01-05. Review status: criteria provided, single submitter. Criteria: ACMG Guidelines, 2015. Collection method: clinical testing. Allele origin: germline.
Comment: This variant is classified as likely benign based on ACMG/AMP sequence variant interpretation guidelines (Richards et al. 2015 PMID: 25741868, with internal and published modifications).

Labcorp Genetics (formerly Invitae), Labcorp
Classification: Likely benign. Last evaluated: 2026-01-02. Review status: criteria provided, single submitter. Criteria: Invitae Variant Classification Sherloc (09022015). Collection method: clinical testing. Allele origin: germline.

Dr. Peter K. Rogan Lab, Western University
No classification provided (evidence only). Condition: Ovarian serous cystadenocarcinoma. Review status: no classification provided. Collection method: in vitro. Allele origin: not applicable. Functional consequence: retained intron. Not counted in ClinVar's aggregate classification.